The following is an entry in ClinVar:

ClinVar aggregate classification (germline): Benign. Review status: criteria provided, multiple submitters, no conflicts (2 of 4 stars). 4 submissions from 4 submitters: Benign (4). Last evaluated 2026-08-01.

Conditions:
Hypogonadotropic hypogonadism 12 with or without anosmia (HH12). Also called: GNRH1-Related GnRH Deficiency; Gonadotropin deficiency familial idiopathic. Identifiers: Orphanet 432, MedGen C1856897, MONDO:0013914, OMIM 614841.

Allele frequency attached by ClinVar (database versions not stated): 1000 Genomes Project 30x 0.01359; gnomAD 0.01376 and 0.01289; ESP Exome Variant Server 0.01395; TOPMed 0.01415; gnomAD exomes 0.00524 and 0.00577; ExAC 0.00576; 1000 Genomes Project 0.01258.
gnomAD v4.1: 10,326 of 1,606,116 alleles (0.64%); highest among the groups gnomAD compares: African/African-American, 3.7%; 86 homozygotes.

Submissions (4):

CeGaT Center for Human Genetics Tuebingen
Classification: Benign. Last evaluated: 2026-08-01. Review status: criteria provided, single submitter. Criteria: CeGaT Center For Human Genetics Tuebingen Variant Classification Criteria Version 2. Collection method: clinical testing. Allele origin: germline. Affected: yes. Observed: 4 variant alleles.
Comment: GNRH1: BP4, BP7, BS1, BS2

Labcorp Genetics (formerly Invitae), Labcorp
Classification: Benign. Last evaluated: 2025-12-30. Review status: criteria provided, single submitter. Criteria: Invitae Variant Classification Sherloc (09022015). Collection method: clinical testing. Allele origin: germline.

Illumina Laboratory Services, Illumina
Classification: Benign for Hypogonadotropic hypogonadism 12 with or without anosmia. Last evaluated: 2017-04-27. Review status: criteria provided, single submitter. Criteria: ICSL Variant Classification Criteria 13 December 2019. Collection method: clinical testing. Allele origin: germline.
Comment: This variant was observed as part of a predisposition screen in an ostensibly healthy population. A literature search was performed for the gene, cDNA change, and amino acid change (where applicable). Publications were found based on this search. The evidence from the literature, in combination with allele frequency data from public databases where available, was sufficient to rule this variant out of causing disease. Therefore, this variant is classified as benign.

Breakthrough Genomics
Classification: Benign. Review status: criteria provided, single submitter. Criteria: ACMG Guidelines, 2015. Collection method: not provided. Allele origin: germline. Inheritance: Autosomal recessive inheritance. Affected: yes.

Literature cited by the submitters: PubMed 19567835 (cited by Illumina Laboratory Services, Illumina).

NM_001083111.2(GNRH1):c.183C>T (p.Phe61=)

Gene: GNRH1 (gonadotropin releasing hormone 1; minus strand). Cytogenetic location: 8p21.2.
Variant type: single nucleotide variant.
Coding change: c.183C>T on transcript NM_001083111.2 (MANE Select); coding-DNA position 183, C replaced by T.
Protein change: p.Phe61=; no amino-acid change (phenylalanine 61 retained).
Molecular consequence: synonymous variant.
Genome position (GRCh38, 1-based): chr8:25,421,627, G>A on the plus strand (C>T on the coding strand, the complement: GNRH1 is on the minus strand). VCF-style: chr8-25421627-G-A. GRCh37 (hg19) VCF-style: chr8-25279143-G-A.
Other names: c.195C>T, p.Phe65= (NM_000825.3).
Identifiers: ClinVar variation 788272 (VCV000788272.20), dbSNP rs6186, ClinGen allele CA4683636.
Genomic context (GRCh38, chr8:25,421,627, plus strand): 5'-ACTTACCAGAGCTCCTTTCAGGTCTCGGAGGGGAGAACGTGGCTGGTGCGTGGTGCATTC[G>A]AAGCGTTGGGTTTCTGCCAGTTGACCAACCTCTTTGACTATCTGAAGAAAGAGAATGTGA-3'
Protein context (NP_001076580.1, residues 51-71): EVGQLAETQR[Phe61=]ECTTHQPRSP